The following is an entry in ClinVar:

ClinVar aggregate classification (germline): Uncertain significance. Review status: criteria provided, multiple submitters, no conflicts (2 of 4 stars). 3 submissions from 3 submitters: Uncertain significance (3). Last evaluated 2025-11-21.

Conditions:
Hereditary cancer-predisposing syndrome. Also called: Neoplastic Syndromes, Hereditary; Tumor predisposition; Hereditary neoplastic syndrome; Hereditary Cancer Syndrome. Identifiers: Orphanet 140162, MedGen C0027672, MeSH D009386, MONDO:0015356.
Breast-ovarian cancer, familial, susceptibility to, 4. Identifiers: Orphanet 145, MedGen C3280345, MONDO:0013669, OMIM 614291.

Allele frequency attached by ClinVar (database versions not stated): ExAC 0.00002; gnomAD 0.00002; gnomAD exomes 0.00002 and 0.00004.
gnomAD v4.1: 24 of 1,560,394 alleles (0.0015%); highest among the groups gnomAD compares: Non-Finnish European, 0.000088%; no homozygotes.

Submissions (3):

Ambry Genetics
Classification: Uncertain significance for Hereditary cancer-predisposing syndrome. Last evaluated: 2025-11-21. Review status: criteria provided, single submitter. Criteria: Ambry Variant Classification Scheme 2023. Collection method: clinical testing. Allele origin: germline.
Comment: The p.G96V variant (also known as c.287G>T), located in coding exon 4 of the RAD51D gene, results from a G to T substitution at nucleotide position 287. The glycine at codon 96 is replaced by valine, an amino acid with dissimilar properties. This amino acid position is highly conserved in available vertebrate species. In addition, this alteration is predicted to be deleterious by in silico analysis. Based on the available evidence, the clinical significance of this variant remains unclear.

Labcorp Genetics (formerly Invitae), Labcorp
Classification: Uncertain significance for Breast-ovarian cancer, familial, susceptibility to, 4. Last evaluated: 2025-04-11. Review status: criteria provided, single submitter. Criteria: Invitae Variant Classification Sherloc (09022015). Collection method: clinical testing. Allele origin: germline.
Comment: This sequence change replaces glycine, which is neutral and non-polar, with valine, which is neutral and non-polar, at codon 96 of the RAD51D protein (p.Gly96Val). This variant is present in population databases (rs775651936, gnomAD 0.03%). This variant has not been reported in the literature in individuals affected with RAD51D-related conditions. ClinVar contains an entry for this variant (Variation ID: 1391314). Invitae Evidence Modeling of protein sequence and biophysical properties (such as structural, functional, and spatial information, amino acid conservation, physicochemical variation, residue mobility, and thermodynamic stability) indicates that this missense variant is expected to disrupt RAD51D protein function with a positive predictive value of 80%. In summary, the available evidence is currently insufficient to determine the role of this variant in disease. Therefore, it has been classified as a Variant of Uncertain Significance.

Baylor Genetics
Classification: Uncertain significance for Breast-ovarian cancer, familial, susceptibility to, 4. Last evaluated: 2024-01-16. Review status: criteria provided, single submitter. Criteria: ACMG Guidelines, 2015. Collection method: clinical testing. Allele origin: unknown.

NM_002878.4(RAD51D):c.287G>T (p.Gly96Val)

Genes: RAD51D (RAD51 paralog D; minus strand), RAD51L3-RFFL (RAD51L3-RFFL readthrough; minus strand). Cytogenetic location: 17q12.
Variant type: single nucleotide variant.
Coding change: c.287G>T on transcript NM_002878.4 (MANE Select); coding-DNA position 287, G replaced by T.
Protein change: p.Gly96Val; replaces glycine 96 with valine.
Molecular consequence: missense variant. On other transcripts: non-coding transcript variant (2), intron variant (1).
Genome position (GRCh38, 1-based): chr17:35,107,424, C>A on the plus strand (G>T on the coding strand, the complement: RAD51D is on the minus strand). VCF-style: chr17-35107424-C-A. GRCh37 (hg19) VCF-style: chr17-33434443-C-A.
Other names: c.347G>T, p.Gly116Val (NM_001142571.2); c.145-943G>T (NM_133629.3); short protein forms G116V, G96V.
Identifiers: ClinVar variation 1391314 (VCV001391314.10), dbSNP rs775651936, ClinGen allele CA8499522.